The following is an entry in ClinVar:

ClinVar aggregate classification (germline): Uncertain significance (1 of 4 stars; one submission).

Submission:

Labcorp Genetics (formerly Invitae), Labcorp
Classification: Uncertain significance. Last evaluated: 2022-01-17. Review status: criteria provided, single submitter. Criteria: Invitae Variant Classification Sherloc (09022015). Collection method: clinical testing. Allele origin: germline.
Comment: Variants that disrupt the consensus splice site are a relatively common cause of aberrant splicing (PMID: 17576681, 9536098). Algorithms developed to predict the effect of sequence changes on RNA splicing suggest that this variant is not likely to affect RNA splicing. In summary, the available evidence is currently insufficient to determine the role of this variant in disease. Therefore, it has been classified as a Variant of Uncertain Significance. This sequence change falls in intron 2 of the RALA gene. It does not directly change the encoded amino acid sequence of the RALA protein. It affects a nucleotide within the consensus splice site. This variant has not been reported in the literature in individuals affected with RALA-related conditions. This variant is not present in population databases (gnomAD no frequency).

Literature cited by the submitters: PubMed 17576681; PubMed 9536098.

NM_005402.4(RALA):c.114+3A>G

Gene: RALA (RAS like proto-oncogene A; plus strand). Cytogenetic location: 7p14.1.
Variant type: single nucleotide variant.
Coding change: c.114+3A>G on transcript NM_005402.4 (MANE Select); 3 bases into the intron after coding-DNA position 114, A replaced by G.
Molecular consequence: intron variant.
Genome position (GRCh38, 1-based): chr7:39,686,784, A>G. VCF-style: chr7-39686784-A-G. GRCh37 (hg19) VCF-style: chr7-39726383-A-G.
Identifiers: ClinVar variation 2086882 (VCV002086882.4), dbSNP rs2534034053, ClinGen allele CA2580077135.
Genomic context (GRCh38, chr7:39,686,784, plus strand): 5'-GGTGGGCAGTGGTGGCGTGGGCAAGTCAGCTCTGACTCTACAGTTCATGTACGATGAGGT[A>G]AGTGCTAATTTTATAATGGATCAAAGTTTAGGCTTTCAGAGAGTATTTCCCTAGCTTAGT-3'